The following is an entry in ClinVar:

ClinVar aggregate classification (germline): Likely benign. Review status: criteria provided, multiple submitters, no conflicts (2 of 4 stars). 3 submissions from 3 submitters: Likely benign (3). Last evaluated 2025-04-09.

Conditions:
Cystic fibrosis (CF). Also called: MUCOVISCIDOSIS. Identifiers: Orphanet 586, MedGen C0010674, MONDO:0009061, OMIM 219700. Disease mechanism: loss of function.
CFTR-related disorder (CFTR-RD). Also called: CFTR-related disorders; CFTR-related condition. Identifiers: MedGen C5924204, MONDO:7770004.

Allele frequency attached by ClinVar (database versions not stated): gnomAD exomes 0.00001.
gnomAD v4.1: 10 of 1,613,226 alleles (0.00062%); highest among the groups gnomAD compares: South Asian, 0.011%; 1 homozygote.

Submissions (3):

PreventionGenetics, part of Exact Sciences
Classification: Likely benign for CFTR-related condition. Last evaluated: 2025-04-09. Review status: criteria provided, single submitter. Criteria: ACMG Guidelines, 2015. Collection method: clinical testing. Allele origin: germline.
Comment: This variant is classified as likely benign based on ACMG/AMP sequence variant interpretation guidelines (Richards et al. 2015 PMID: 25741868, with internal and published modifications).

Labcorp Genetics (formerly Invitae), Labcorp
Classification: Likely benign for Cystic fibrosis. Last evaluated: 2023-12-02. Review status: criteria provided, single submitter. Criteria: Invitae Variant Classification Sherloc (09022015). Collection method: clinical testing. Allele origin: germline.

Ambry Genetics
Classification: Likely benign for Cystic fibrosis. Last evaluated: 2020-01-16. Review status: criteria provided, single submitter. Criteria: Ambry Variant Classification Scheme 2023. Collection method: clinical testing. Allele origin: germline.

NM_000492.4(CFTR):c.1305T>C (p.Leu435=)

Genes: CFTR (CF transmembrane conductance regulator; plus strand), CFTR-AS1 (CFTR antisense RNA 1; minus strand). Cytogenetic location: 7q31.2.
Variant type: single nucleotide variant.
Coding change: c.1305T>C on transcript NM_000492.4 (MANE Select); coding-DNA position 1305, T replaced by C.
Protein change: p.Leu435=; no amino-acid change (leucine 435 retained).
Molecular consequence: synonymous variant.
Genome position (GRCh38, 1-based): chr7:117,548,736, T>C. VCF-style: chr7-117548736-T-C. GRCh37 (hg19) VCF-style: chr7-117188790-T-C.
Identifiers: ClinVar variation 1769513 (VCV001769513.8), dbSNP rs1413600554, ClinGen allele CA457227833.